The following is an entry in ClinVar:

NM_004415.4(DSP):c.3023C>T (p.Thr1008Ile)

Gene: DSP (desmoplakin; plus strand). Cytogenetic location: 6p24.3.
Variant type: single nucleotide variant.
Coding change: c.3023C>T on transcript NM_004415.4 (MANE Select); coding-DNA position 3023, C replaced by T.
Protein change: p.Thr1008Ile; replaces threonine 1008 with isoleucine.
Molecular consequence: missense variant.
Genome position (GRCh38, 1-based): chr6:7,578,501, C>T. VCF-style: chr6-7578501-C-T. GRCh37 (hg19) VCF-style: chr6-7578734-C-T.
Other names: c.3023C>T (LRG_423t1); c.3023C>T, p.Thr1008Ile (NM_001008844.3, NM_001319034.2); short protein forms T1008I.
Identifiers: ClinVar variation 629341 (VCV000629341.10), dbSNP rs1334187363, ClinGen allele CA362682664.

ClinVar aggregate classification (germline): Uncertain significance. Review status: criteria provided, multiple submitters, no conflicts (2 of 4 stars). 3 submissions from 3 submitters: Uncertain significance (3). Last evaluated 2024-03-07.

Conditions:
Cardiovascular phenotype. Identifiers: MedGen CN230736.
Arrhythmogenic cardiomyopathy with wooly hair and keratoderma. Also called: PALMOPLANTAR KERATODERMA WITH LEFT VENTRICULAR CARDIOMYOPATHY AND WOOLLY HAIR; Carvajal syndrome; Dilated cardiomyopathy with woolly hair and keratoderma; Arrhythmogenic cardiomyopathy with woolly hair and keratoderma. Identifiers: Orphanet 65282, MedGen C1854063, MONDO:0011581, OMIM 605676.
Arrhythmogenic right ventricular dysplasia 8 (ARVD8). Also called: ARRHYTHMOGENIC RIGHT VENTRICULAR DYSPLASIA, FAMILIAL, 8; ARRHYTHMOGENIC RIGHT VENTRICULAR CARDIOMYOPATHY 8; Arrhythmogenic Right Ventricular Dysplasia/Cardiomyopathy 8. Identifiers: MedGen C1843896, MONDO:0011831, OMIM 607450.
Cardiomyopathy (CMYO). Also called: Cardiomyopathies. Identifiers: Orphanet 167848, MedGen C0878544, MONDO:0004994, HP:0001638. Inheritance: Various modes of inheritance.

Allele frequency attached by ClinVar (database versions not stated): TOPMed 0.00002.
gnomAD v4.1: 1 of 1,613,750 alleles (0.000062%); highest among the groups gnomAD compares: Non-Finnish European, 0.000085%; no homozygotes.

Submissions (3):

Color Diagnostics, LLC DBA Color Health
Classification: Uncertain significance for Cardiomyopathy. Last evaluated: 2024-03-07. Review status: criteria provided, single submitter. Criteria: ACMG Guidelines, 2015. Collection method: clinical testing. Allele origin: germline.
Comment: This missense variant replaces threonine with isoleucine at codon 1008 of the DSP protein. Computational prediction suggests that this variant may have deleterious impact on protein structure and function (internally defined REVEL score threshold >= 0.7, PMID: 27666373). Splice site prediction tools suggest that this variant may not impact RNA splicing. To our knowledge, functional studies have not been performed for this variant. This variant has not been reported in individuals affected with cardiovascular disorders in the literature. This variant has not been identified in the general population by the Genome Aggregation Database (gnomAD). The available evidence is insufficient to determine the role of this variant in disease conclusively. Therefore, this variant is classified as a Variant of Uncertain Significance.

Labcorp Genetics (formerly Invitae), Labcorp
Classification: Uncertain significance for Arrhythmogenic cardiomyopathy with wooly hair and keratoderma; Arrhythmogenic right ventricular dysplasia 8. Last evaluated: 2023-08-11. Review status: criteria provided, single submitter. Criteria: Invitae Variant Classification Sherloc (09022015). Collection method: clinical testing. Allele origin: germline.
Comment: In summary, the available evidence is currently insufficient to determine the role of this variant in disease. Therefore, it has been classified as a Variant of Uncertain Significance. An algorithm developed to predict the effect of missense changes on protein structure and function (PolyPhen-2) suggests that this variant is likely to be disruptive. ClinVar contains an entry for this variant (Variation ID: 629341). This variant has not been reported in the literature in individuals affected with DSP-related conditions. This variant is not present in population databases (gnomAD no frequency). This sequence change replaces threonine, which is neutral and polar, with isoleucine, which is neutral and non-polar, at codon 1008 of the DSP protein (p.Thr1008Ile).

Ambry Genetics
Classification: Uncertain significance for Cardiovascular phenotype. Last evaluated: 2021-02-04. Review status: criteria provided, single submitter. Criteria: Ambry Variant Classification Scheme 2023. Collection method: clinical testing. Allele origin: germline.
Comment: The p.T1008I variant (also known as c.3023C>T), located in coding exon 22 of the DSP gene, results from a C to T substitution at nucleotide position 3023. The threonine at codon 1008 is replaced by isoleucine, an amino acid with similar properties. This amino acid position is highly conserved in available vertebrate species. In addition, this alteration is predicted to be deleterious by in silico analysis. Since supporting evidence is limited at this time, the clinical significance of this alteration remains unclear.